The following is an entry in ClinVar:

NM_001363711.2(DUOX2):c.3098G>A (p.Arg1033His)

Gene: DUOX2 (dual oxidase 2; minus strand). Cytogenetic location: 15q21.1.
Variant type: single nucleotide variant.
Coding change: c.3098G>A on transcript NM_001363711.2 (MANE Select); coding-DNA position 3098, G replaced by A.
Protein change: p.Arg1033His; replaces arginine 1033 with histidine.
Molecular consequence: missense variant.
Genome position (GRCh38, 1-based): chr15:45,100,136, C>T on the plus strand (G>A on the coding strand, the complement: DUOX2 is on the minus strand). VCF-style: chr15-45100136-C-T. GRCh37 (hg19) VCF-style: chr15-45392334-C-T.
Other names: c.3098G>A, p.Arg1033His (NM_014080.5); short protein forms R1033H.
Identifiers: ClinVar variation 316156 (VCV000316156.10), dbSNP rs370772159, ClinGen allele CA7538013.

ClinVar aggregate classification (germline): Uncertain significance. Review status: criteria provided, multiple submitters, no conflicts (2 of 4 stars). 2 submissions from 2 submitters: Uncertain significance (2). Last evaluated 2025-10-01.

Conditions:
Thyroid dyshormonogenesis 6 (TDH6). Also called: THYROID HORMONOGENESIS, GENETIC DEFECT IN, 6; Genetic transient congenital hypothyroidism; HYPOTHYROIDISM, CONGENITAL, DUE TO DYSHORMONOGENESIS, 6. Identifiers: Orphanet 226316, Orphanet 95716, MedGen C1846632, MONDO:0011792, OMIM 607200.

Allele frequency attached by ClinVar (database versions not stated): TOPMed 0.00006; ExAC 0.00007; gnomAD 0.00007; gnomAD exomes 0.00007; ESP Exome Variant Server 0.00015.
gnomAD v4.1: 58 of 1,614,218 alleles (0.0036%); highest among the groups gnomAD compares: South Asian, 0.0022%; no homozygotes.

Submissions (2):

Labcorp Genetics (formerly Invitae), Labcorp
Classification: Uncertain significance. Last evaluated: 2025-10-01. Review status: criteria provided, single submitter. Criteria: Invitae Variant Classification Sherloc (09022015). Collection method: clinical testing. Allele origin: germline.
Comment: This sequence change replaces arginine, which is basic and polar, with histidine, which is basic and polar, at codon 1033 of the DUOX2 protein (p.Arg1033His). This variant is present in population databases (rs370772159, gnomAD 0.1%). This missense change has been observed in individual(s) with congenital hypothyroidism (PMID: 33631011). ClinVar contains an entry for this variant (Variation ID: 316156). Invitae Evidence Modeling of protein sequence and biophysical properties (such as structural, functional, and spatial information, amino acid conservation, physicochemical variation, residue mobility, and thermodynamic stability) indicates that this missense variant is expected to disrupt DUOX2 protein function with a positive predictive value of 80%. In summary, the available evidence is currently insufficient to determine the role of this variant in disease. Therefore, it has been classified as a Variant of Uncertain Significance.

Illumina Laboratory Services, Illumina
Classification: Uncertain significance for Thyroid dyshormonogenesis 6. Last evaluated: 2018-01-12. Review status: criteria provided, single submitter. Criteria: ICSL Variant Classification Criteria 13 December 2019. Collection method: clinical testing. Allele origin: germline.

Literature cited by the submitters: PubMed 33631011 (cited by Labcorp Genetics (formerly Invitae), Labcorp).